The following is an entry in ClinVar:

ClinVar aggregate classification (germline): Uncertain significance (1 of 4 stars; one submission).

Conditions:
Mirror movements 1 (MRMV1). Identifiers: Orphanet 238722, MedGen C1834870, OMIM 157600, MONDO:0008002.

Allele frequency attached by ClinVar (database versions not stated): ExAC 0.00002; gnomAD 0.00003; gnomAD exomes 0.00003 and 0.00005; TOPMed 0.00003.
gnomAD v4.1: 50 of 1,613,862 alleles (0.0031%); highest among the groups gnomAD compares: Middle Eastern, 0.016%; no homozygotes.

Submission:

Baylor Genetics
Classification: Uncertain significance for Mirror movements 1. Last evaluated: 2018-05-27. Review status: criteria provided, single submitter. Criteria: ACMG Guidelines, 2015. Collection method: clinical testing. Allele origin: unknown. Affected: yes.
Comment: This variant was determined to be of uncertain significance according to ACMG Guidelines, 2015 [PMID:25741868].

NM_005215.4(DCC):c.2624C>T (p.Thr875Met)

Gene: DCC (DCC netrin 1 receptor; plus strand). Cytogenetic location: 18q21.2.
Variant type: single nucleotide variant.
Coding change: c.2624C>T on transcript NM_005215.4 (MANE Select); coding-DNA position 2624, C replaced by T.
Protein change: p.Thr875Met; replaces threonine 875 with methionine.
Molecular consequence: missense variant.
Genome position (GRCh38, 1-based): chr18:53,391,823, C>T. VCF-style: chr18-53391823-C-T. GRCh37 (hg19) VCF-style: chr18-50918193-C-T.
Other names: short protein forms T875M.
Identifiers: ClinVar variation 1031521 (VCV001031521.1), dbSNP rs747051148, ClinGen allele CA8967233.